The following is an entry in ClinVar:

NM_173531.4(ZNF100):c.75G>A (p.Leu25=)

Gene: ZNF100 (zinc finger protein 100; minus strand). Cytogenetic location: 19p12.
Variant type: single nucleotide variant.
Coding change: c.75G>A on transcript NM_173531.4 (MANE Select); coding-DNA position 75, G replaced by A.
Protein change: p.Leu25=; no amino-acid change (leucine 25 retained).
Molecular consequence: synonymous variant. On other transcripts: 5 prime UTR variant (2).
Genome position (GRCh38, 1-based): chr19:21,765,715, C>T on the plus strand (G>A on the coding strand, the complement: ZNF100 is on the minus strand). VCF-style: chr19-21765715-C-T. GRCh37 (hg19) VCF-style: chr19-21948517-C-T.
Other names: c.75G>A, p.Leu25= (NM_001351669.2, NM_001351670.2); c.-102G>A (NM_001351671.2); c.-345G>A (NM_001351672.2).
Identifiers: ClinVar variation 2649633 (VCV002649633.24), dbSNP rs548577744, ClinGen allele CA9340771.

ClinVar aggregate classification (germline): Likely benign (1 of 4 stars; one submission).

Allele frequency attached by ClinVar (database versions not stated): 1000 Genomes Project 30x 0.00016; 1000 Genomes Project 0.00020; gnomAD 0.00031; gnomAD exomes 0.00036; ExAC 0.00039.
gnomAD v4.1: 570 of 1,613,726 alleles (0.035%); highest among the groups gnomAD compares: South Asian, 0.19%; 4 homozygotes.

Submission:

CeGaT Center for Human Genetics Tuebingen
Classification: Likely benign. Last evaluated: 2023-06-01. Review status: criteria provided, single submitter. Criteria: CeGaT Center For Human Genetics Tuebingen Variant Classification Criteria Version 2. Collection method: clinical testing. Allele origin: germline. Affected: yes. Observed: 1 variant allele.
Comment: ZNF100: BP4, BP7